The following is an entry in ClinVar:

ClinVar aggregate classification (germline): Uncertain significance (1 of 4 stars; one submission).

Conditions:
Walker-Warburg congenital muscular dystrophy. Also called: Muscular dystrophy-dystroglycanopathy, type A; Walker-Warburg syndrome. Identifiers: Orphanet 899, MedGen C0265221, MONDO:0000171.

Submission:

Labcorp Genetics (formerly Invitae), Labcorp
Classification: Uncertain significance for Walker-Warburg congenital muscular dystrophy. Last evaluated: 2025-10-11. Review status: criteria provided, single submitter. Criteria: Invitae Variant Classification Sherloc (09022015). Collection method: clinical testing. Allele origin: germline.
Comment: This sequence change replaces leucine, which is neutral and non-polar, with valine, which is neutral and non-polar, at codon 471 of the FKRP protein (p.Leu471Val). This variant is not present in population databases (gnomAD no frequency). This variant has not been reported in the literature in individuals affected with FKRP-related conditions. ClinVar contains an entry for this variant (Variation ID: 1024909). Invitae Evidence Modeling of protein sequence and biophysical properties (such as structural, functional, and spatial information, amino acid conservation, physicochemical variation, residue mobility, and thermodynamic stability) indicates that this missense variant is expected to disrupt FKRP protein function with a positive predictive value of 95%. In summary, the available evidence is currently insufficient to determine the role of this variant in disease. Therefore, it has been classified as a Variant of Uncertain Significance.

NM_024301.5(FKRP):c.1411C>G (p.Leu471Val)

Gene: FKRP (fukutin related protein; plus strand). Cytogenetic location: 19q13.32.
Variant type: single nucleotide variant.
Coding change: c.1411C>G on transcript NM_024301.5 (MANE Select); coding-DNA position 1411, C replaced by G.
Protein change: p.Leu471Val; replaces leucine 471 with valine.
Molecular consequence: missense variant.
Genome position (GRCh38, 1-based): chr19:46,756,861, C>G. VCF-style: chr19-46756861-C-G. GRCh37 (hg19) VCF-style: chr19-47260118-C-G.
Other names: c.1411C>G, p.Leu471Val (NM_001039885.3); short protein forms L471V.
Identifiers: ClinVar variation 1024909 (VCV001024909.8), dbSNP rs2054940038, ClinGen allele CA406497311.